The following is an entry in ClinVar:

NM_007214.5(SEC63):c.890A>G (p.Tyr297Cys)

Gene: SEC63 (SEC63 protein translocation regulator; minus strand). Cytogenetic location: 6q21.
Variant type: single nucleotide variant.
Coding change: c.890A>G on transcript NM_007214.5 (MANE Select); coding-DNA position 890, A replaced by G.
Protein change: p.Tyr297Cys; replaces tyrosine 297 with cysteine.
Molecular consequence: missense variant.
Genome position (GRCh38, 1-based): chr6:107,906,519, T>C on the plus strand (A>G on the coding strand, the complement: SEC63 is on the minus strand). VCF-style: chr6-107906519-T-C. GRCh37 (hg19) VCF-style: chr6-108227723-T-C.
Other names: short protein forms Y297C.
Identifiers: ClinVar variation 2170437 (VCV002170437.4), dbSNP rs771633666, ClinGen allele CA3947550.

ClinVar aggregate classification (germline): Uncertain significance (1 of 4 stars; one submission).

Allele frequency attached by ClinVar (database versions not stated): gnomAD 0.00001; gnomAD exomes 0.00001; ExAC 0.00002.
gnomAD v4.1: 20 of 1,613,640 alleles (0.0012%); highest among the groups gnomAD compares: South Asian, 0.019%; no homozygotes.

Submission:

Labcorp Genetics (formerly Invitae), Labcorp
Classification: Uncertain significance. Last evaluated: 2025-04-21. Review status: criteria provided, single submitter. Criteria: Invitae Variant Classification Sherloc (09022015). Collection method: clinical testing. Allele origin: germline.
Comment: This sequence change replaces tyrosine, which is neutral and polar, with cysteine, which is neutral and slightly polar, at codon 297 of the SEC63 protein (p.Tyr297Cys). This variant is present in population databases (rs771633666, gnomAD 0.02%). This variant has not been reported in the literature in individuals affected with SEC63-related conditions. ClinVar contains an entry for this variant (Variation ID: 2170437). An algorithm developed to predict the effect of missense changes on protein structure and function (PolyPhen-2) suggests that this variant is likely to be disruptive. In summary, the available evidence is currently insufficient to determine the role of this variant in disease. Therefore, it has been classified as a Variant of Uncertain Significance.